The following is an entry in ClinVar:

NM_005033.3(EXOSC9):c.196C>G (p.Pro66Ala)

Gene: EXOSC9 (exosome component 9; plus strand). Cytogenetic location: 4q27.
Variant type: single nucleotide variant.
Coding change: c.196C>G on transcript NM_005033.3 (MANE Select); coding-DNA position 196, C replaced by G.
Protein change: p.Pro66Ala; replaces proline 66 with alanine.
Molecular consequence: missense variant.
Genome position (GRCh38, 1-based): chr4:121,802,708, C>G. VCF-style: chr4-121802708-C-G. GRCh37 (hg19) VCF-style: chr4-122723863-C-G.
Other names: c.196C>G, p.Pro66Ala (NM_001034194.2); short protein forms P66A.
Identifiers: ClinVar variation 2696675 (VCV002696675.3), dbSNP rs1298180887, ClinGen allele CA358041852.

ClinVar aggregate classification (germline): Uncertain significance (1 of 4 stars; one submission).

Submission:

Labcorp Genetics (formerly Invitae), Labcorp
Classification: Uncertain significance. Last evaluated: 2023-11-17. Review status: criteria provided, single submitter. Criteria: Invitae Variant Classification Sherloc (09022015). Collection method: clinical testing. Allele origin: germline.
Comment: This sequence change replaces proline, which is neutral and non-polar, with alanine, which is neutral and non-polar, at codon 66 of the EXOSC9 protein (p.Pro66Ala). This variant is present in population databases (no rsID available, gnomAD 0.002%). This variant has not been reported in the literature in individuals affected with EXOSC9-related conditions. Advanced modeling of protein sequence and biophysical properties (such as structural, functional, and spatial information, amino acid conservation, physicochemical variation, residue mobility, and thermodynamic stability) performed at Invitae indicates that this missense variant is expected to disrupt EXOSC9 protein function with a positive predictive value of 80%. In summary, the available evidence is currently insufficient to determine the role of this variant in disease. Therefore, it has been classified as a Variant of Uncertain Significance.